The following is an entry in ClinVar:

NM_018180.3(DHX32):c.1696T>C (p.Cys566Arg)

Genes: DHX32 (DEAH-box helicase 32 (putative); minus strand), BCCIP (BRCA2 and CDKN1A interacting protein; plus strand). Cytogenetic location: 10q26.2.
Variant type: single nucleotide variant.
Coding change: c.1696T>C on transcript NM_018180.3 (MANE Select); coding-DNA position 1696, T replaced by C.
Protein change: p.Cys566Arg; replaces cysteine 566 with arginine.
Molecular consequence: missense variant. On other transcripts: intron variant (2).
Genome position (GRCh38, 1-based): chr10:125,839,186, A>G on the plus strand (T>C on the coding strand, the complement: DHX32 is on the minus strand). VCF-style: chr10-125839186-A-G. GRCh37 (hg19) VCF-style: chr10-127527755-A-G.
Other names: c.775-2069A>G (NM_016567.4, NM_078469.3); short protein forms C566R.
Identifiers: ClinVar variation 3001282 (VCV003001282.3), dbSNP rs147501142, ClinGen allele CA5739074.

ClinVar aggregate classification (germline): Uncertain significance (1 of 4 stars; one submission).

Allele frequency attached by ClinVar (database versions not stated): ExAC 0.00003; ESP Exome Variant Server 0.00015; gnomAD 0.00002; TOPMed 0.00003.
gnomAD v4.1: 12 of 1,613,336 alleles (0.00074%); highest among the groups gnomAD compares: African/African-American, 0.012%; no homozygotes.

Submission:

Labcorp Genetics (formerly Invitae), Labcorp
Classification: Uncertain significance. Last evaluated: 2023-02-19. Review status: criteria provided, single submitter. Criteria: Invitae Variant Classification Sherloc (09022015). Collection method: clinical testing. Allele origin: germline.
Comment: In summary, the available evidence is currently insufficient to determine the role of this variant in disease. Therefore, it has been classified as a Variant of Uncertain Significance. An algorithm developed to predict the effect of missense changes on protein structure and function (PolyPhen-2) suggests that this variant is likely to be tolerated. This variant has not been reported in the literature in individuals affected with DHX32-related conditions. This variant is present in population databases (rs147501142, gnomAD 0.02%). This sequence change replaces cysteine, which is neutral and slightly polar, with arginine, which is basic and polar, at codon 566 of the DHX32 protein (p.Cys566Arg).